The following is an entry in ClinVar:

ClinVar aggregate classification (germline): Likely pathogenic (1 of 4 stars; one submission).

Submission:

Labcorp Genetics (formerly Invitae), Labcorp
Classification: Likely pathogenic. Last evaluated: 2022-07-26. Review status: criteria provided, single submitter. Criteria: Invitae Variant Classification Sherloc (09022015). Collection method: clinical testing. Allele origin: germline.
Comment: This sequence change affects a donor splice site in intron 6 of the TRAF3IP1 gene. It is expected to disrupt RNA splicing. Variants that disrupt the donor or acceptor splice site typically lead to a loss of protein function (PMID: 16199547), and loss-of-function variants in TRAF3IP1 are known to be pathogenic (PMID: 21945076, 26487268, 29068549). This variant is not present in population databases (gnomAD no frequency). This variant has not been reported in the literature in individuals affected with TRAF3IP1-related conditions. ClinVar contains an entry for this variant (Variation ID: 1423607). Algorithms developed to predict the effect of sequence changes on RNA splicing suggest that this variant may disrupt the consensus splice site. In summary, the currently available evidence indicates that the variant is pathogenic, but additional data are needed to prove that conclusively. Therefore, this variant has been classified as Likely Pathogenic.

Literature cited by the submitters: PubMed 16199547; PubMed 21945076; PubMed 26487268; PubMed 29068549.

NM_015650.4(TRAF3IP1):c.987+1G>A

Gene: TRAF3IP1 (TRAF3 interacting protein 1; plus strand). Cytogenetic location: 2q37.3.
Variant type: single nucleotide variant.
Coding change: c.987+1G>A on transcript NM_015650.4 (MANE Select); the canonical splice donor site of the intron after coding-DNA position 987, G replaced by A.
Molecular consequence: splice donor variant.
Genome position (GRCh38, 1-based): chr2:238,332,896, G>A. VCF-style: chr2-238332896-G-A. GRCh37 (hg19) VCF-style: chr2-239241537-G-A.
Other names: c.987+1G>A (NM_001139490.1).
Identifiers: ClinVar variation 1423607 (VCV001423607.6), dbSNP rs537915245, ClinGen allele CA67983332.
Genomic context (GRCh38, chr2:238,332,896, plus strand): 5'-GGGGAGATGTCTAAAAAGTTATCAGATGGAACTTTTAAAGACTCCAAGGCTGAAACAGAG[G>A]TAAACTTTAAAAAATAACTTTTAAGAGATGTCAACTTGTAGCTGTGTTGAAATAGTGAAT-3'